The following is an entry in ClinVar:

NM_001267550.2(TTN):c.105653T>C (p.Ile35218Thr)

Genes: TTN (titin; minus strand), TTN-AS1 (TTN antisense RNA 1; plus strand), LOC129935183 (ATAC-STARR-seq lymphoblastoid active region 16808; plus strand). Cytogenetic location: 2q31.2.
Variant type: single nucleotide variant.
Coding change: c.105653T>C on transcript NM_001267550.2 (MANE Select); coding-DNA position 105653, T replaced by C.
Protein change: p.Ile35218Thr; replaces isoleucine 35218 with threonine.
Molecular consequence: missense variant.
Genome position (GRCh38, 1-based): chr2:178,530,962, A>G on the plus strand (T>C on the coding strand, the complement: TTN is on the minus strand). VCF-style: chr2-178530962-A-G. GRCh37 (hg19) VCF-style: chr2-179395689-A-G.
Other names: c.100730T>C, p.Ile33577Thr (NM_001256850.1); c.78458T>C, p.Ile26153Thr (NM_003319.4); c.97949T>C, p.Ile32650Thr (NM_133378.4); c.78833T>C, p.Ile26278Thr (NM_133432.3); c.79034T>C, p.Ile26345Thr (NM_133437.4); short protein forms I35218T, I32650T, I33577T, I26153T, I26345T, I26278T.
Identifiers: ClinVar variation 238696 (VCV000238696.20), dbSNP rs143499441, ClinGen allele CA1985224.

ClinVar aggregate classification (germline): Conflicting classifications of pathogenicity. Review status: criteria provided, conflicting classifications (1 of 4 stars). 9 submissions from 5 submitters: Uncertain significance (4); Benign (2); Likely benign (2). 1 of the submissions does not count toward it. Last evaluated 2025-12-02.

Conditions:
TTN-related disorder. Also called: TTN-related disorders; TTN-related condition; TTN-related disease.
Dilated cardiomyopathy 1G (CMD1G). Identifiers: Orphanet 154, MedGen C1858763, MONDO:0011400, OMIM 604145.
Autosomal recessive limb-girdle muscular dystrophy type 2J (LGMDR10). Also called: Limb-girdle muscular dystrophy, type 2J; MUSCULAR DYSTROPHY, LIMB-GIRDLE, AUTOSOMAL RECESSIVE 10. Identifiers: Orphanet 140922, MedGen C1837342, MONDO:0012127, OMIM 608807.
Tibial muscular dystrophy (TMD). Also called: UDD MYOPATHY; Udd Distal Myopathy – Tibial Muscular Dystrophy; Tibial muscular dystrophy, tardive. Identifiers: Orphanet 609, MedGen C1838244, MONDO:0010870, OMIM 600334.
Early-onset myopathy with fatal cardiomyopathy (CMYO5). Also called: Salih Myopathy; CONGENITAL MYOPATHY 5 WITH CARDIOMYOPATHY. Identifiers: Orphanet 289377, MedGen C2673677, MONDO:0012714, OMIM 611705. Disease mechanism: loss of function.
Myopathy, myofibrillar, 9, with early respiratory failure (MFM9). Also called: Hereditary myopathy with early respiratory failure; EDSTROM MYOPATHY; MYOPATHY, PROXIMAL, WITH EARLY RESPIRATORY MUSCLE INVOLVEMENT; Myopathy, distal, with early respiratory failure, autosomal dominant. Identifiers: Orphanet 178464, Orphanet 34521, MedGen C1863599, MONDO:0011362, OMIM 603689.

Allele frequency attached by ClinVar (database versions not stated): gnomAD 0.00002 and 0.00007; TOPMed 0.00005; gnomAD exomes 0.00019 and 0.00022; ExAC 0.00025; 1000 Genomes Project 30x 0.00031; 1000 Genomes Project 0.00040.
gnomAD v4.1: 284 of 1,613,864 alleles (0.018%); highest among the groups gnomAD compares: East Asian, 0.63%; 1 homozygote.

Submissions (9):

Labcorp Genetics (formerly Invitae), Labcorp
Classification: Likely benign for Dilated cardiomyopathy 1G; Autosomal recessive limb-girdle muscular dystrophy type 2J. Last evaluated: 2025-12-02. Review status: criteria provided, single submitter. Criteria: Invitae Variant Classification Sherloc (09022015). Collection method: clinical testing. Allele origin: germline.

Revvity Omics, Revvity
Classification: Uncertain significance. Last evaluated: 2023-06-21. Review status: criteria provided, single submitter. Criteria: ACMG Guidelines, 2015. Collection method: clinical testing. Allele origin: germline.

GeneDx
Classification: Likely benign. Last evaluated: 2018-05-03. Review status: criteria provided, single submitter. Criteria: GeneDx Variant Classification (06012015). Collection method: clinical testing. Allele origin: germline. Affected: yes.
Comment: This variant is considered likely benign or benign based on one or more of the following criteria: it is a conservative change, it occurs at a poorly conserved position in the protein, it is predicted to be benign by multiple in silico algorithms, and/or has population frequency not consistent with disease.

Illumina Laboratory Services, Illumina
Classification: Uncertain significance for Early-onset myopathy with fatal cardiomyopathy. Last evaluated: 2018-01-13. Review status: criteria provided, single submitter. Criteria: ICSL Variant Classification Criteria 13 December 2019. Collection method: clinical testing. Allele origin: germline.

Illumina Laboratory Services, Illumina
Classification: Benign for Myopathy, myofibrillar, 9, with early respiratory failure. Last evaluated: 2018-01-13. Review status: criteria provided, single submitter. Criteria: ICSL Variant Classification Criteria 13 December 2019. Collection method: clinical testing. Allele origin: germline.
Comment: This variant was observed in the ICSL laboratory as part of a predisposition screen in an ostensibly healthy population. It had not been previously curated by ICSL or reported in the Human Gene Mutation Database (HGMD: prior to June 1st, 2018), and was therefore a candidate for classification through an automated scoring system. Utilizing variant allele frequency, disease prevalence and penetrance estimates, and inheritance mode, an automated score was calculated to assess if this variant is too frequent to cause the disease. Based on the score and internal cut-off values, a variant classified as benign is not then subjected to further curation. The score for this variant resulted in a classification of benign for this disease.

Illumina Laboratory Services, Illumina
Classification: Benign for Tibial muscular dystrophy. Last evaluated: 2018-01-13. Review status: criteria provided, single submitter. Criteria: ICSL Variant Classification Criteria 13 December 2019. Collection method: clinical testing. Allele origin: germline.
Comment: the same text as in the submission from Illumina Laboratory Services, Illumina above.

Illumina Laboratory Services, Illumina
Classification: Uncertain significance for Dilated cardiomyopathy 1G. Last evaluated: 2018-01-13. Review status: criteria provided, single submitter. Criteria: ICSL Variant Classification Criteria 13 December 2019. Collection method: clinical testing. Allele origin: germline.

Illumina Laboratory Services, Illumina
Classification: Uncertain significance for Autosomal recessive limb-girdle muscular dystrophy type 2J. Last evaluated: 2018-01-13. Review status: criteria provided, single submitter. Criteria: ICSL Variant Classification Criteria 13 December 2019. Collection method: clinical testing. Allele origin: germline.

PreventionGenetics, part of Exact Sciences
Classification: Likely benign for TTN-related condition. Last evaluated: 2022-03-31. Review status: no assertion criteria provided. Collection method: clinical testing. Allele origin: germline. Not counted in ClinVar's aggregate classification.
Comment: This variant is classified as likely benign based on ACMG/AMP sequence variant interpretation guidelines (Richards et al. 2015 PMID: 25741868, with internal and published modifications).